The following is an entry in ClinVar:

NM_172201.2(KCNE2):c.26A>T (p.Gln9Leu)

Genes: KCNE2 (potassium voltage-gated channel subfamily E regulatory subunit 2; plus strand), LOC105372791 (uncharacterized LOC105372791; minus strand). Cytogenetic location: 21q22.11.
Variant type: single nucleotide variant.
Coding change: c.26A>T on transcript NM_172201.2 (MANE Select); coding-DNA position 26, A replaced by T.
Protein change: p.Gln9Leu; replaces glutamine 9 with leucine.
Molecular consequence: missense variant. On other transcripts: non-coding transcript variant (2).
Genome position (GRCh38, 1-based): chr21:34,370,504, A>T. VCF-style: chr21-34370504-A-T. GRCh37 (hg19) VCF-style: chr21-35742803-A-T.
Other names: short protein forms Q9L.
Identifiers: ClinVar variation 2886864 (VCV002886864.1), dbSNP rs758038035, ClinGen allele CA410196119.
Genomic context (GRCh38, chr21:34,370,504, plus strand): 5'-CTATTTTATTATTTAAATTGCAGCAGGAGGGAAGCATGTCTACTTTATCCAATTTCACAC[A>T]GACGCTGGAAGACGTCTTCCGAAGGATTTTTATTACTTATATGGACAATTGGCGCCAGAA-3'
Protein context (NP_751951.1, residues 1-19): MSTLSNFT[Gln9Leu]TLEDVFRRIF

ClinVar aggregate classification (germline): Uncertain significance (1 of 4 stars; one submission).

Conditions:
Long QT syndrome 6 (LQT6). Identifiers: Orphanet 101016, Orphanet 768, MedGen C3150953, MONDO:0013370, OMIM 613693.

Allele frequency attached by ClinVar (database versions not stated): gnomAD exomes below 0.00001.
gnomAD v4.1: 5 of 1,614,204 alleles (0.00031%); highest among the groups gnomAD compares: Non-Finnish European, 0.00042%; no homozygotes.

Submission:

Labcorp Genetics (formerly Invitae), Labcorp
Classification: Uncertain significance for Long QT syndrome 6. Last evaluated: 2022-12-13. Review status: criteria provided, single submitter. Criteria: Invitae Variant Classification Sherloc (09022015). Collection method: clinical testing. Allele origin: germline.
Comment: This sequence change replaces glutamine, which is neutral and polar, with leucine, which is neutral and non-polar, at codon 9 of the KCNE2 protein (p.Gln9Leu). In summary, the available evidence is currently insufficient to determine the role of this variant in disease. Therefore, it has been classified as a Variant of Uncertain Significance. Algorithms developed to predict the effect of sequence changes on RNA splicing suggest that this variant may disrupt the consensus splice site. Algorithms developed to predict the effect of missense changes on protein structure and function (SIFT, PolyPhen-2, Align-GVGD) all suggest that this variant is likely to be tolerated. This variant has not been reported in the literature in individuals affected with KCNE2-related conditions. This variant is not present in population databases (gnomAD no frequency).